The following is an entry in ClinVar:

ClinVar aggregate classification (germline): Uncertain significance (1 of 4 stars; one submission).

Allele frequency attached by ClinVar (database versions not stated): gnomAD exomes below 0.00001; ExAC 0.00001.
gnomAD v4.1: 1 of 1,612,072 alleles (0.000062%); highest among the groups gnomAD compares: Non-Finnish European, 0.000085%; no homozygotes.

Submission:

Labcorp Genetics (formerly Invitae), Labcorp
Classification: Uncertain significance. Last evaluated: 2025-12-22. Review status: criteria provided, single submitter. Criteria: Invitae Variant Classification Sherloc (09022015). Collection method: clinical testing. Allele origin: germline.
Comment: This sequence change replaces glycine, which is neutral and non-polar, with cysteine, which is neutral and slightly polar, at codon 466 of the MKL1 protein (p.Gly466Cys). This variant is present in population databases (rs773021353, gnomAD 0.0009%). This variant has not been reported in the literature in individuals affected with MKL1-related conditions. ClinVar contains an entry for this variant (Variation ID: 2878377). An algorithm developed to predict the effect of missense changes on protein structure and function (PolyPhen-2) suggests that this variant is likely to be disruptive. In summary, the available evidence is currently insufficient to determine the role of this variant in disease. Therefore, it has been classified as a Variant of Uncertain Significance.

NM_020831.6(MRTFA):c.1696G>T (p.Gly566Cys)

Gene: MRTFA (myocardin related transcription factor A; minus strand). Cytogenetic location: 22q13.1.
Variant type: single nucleotide variant.
Coding change: c.1696G>T on transcript NM_020831.6 (MANE Select); coding-DNA position 1696, G replaced by T.
Protein change: p.Gly566Cys; replaces glycine 566 with cysteine.
Molecular consequence: missense variant.
Genome position (GRCh38, 1-based): chr22:40,419,042, C>A on the plus strand (G>T on the coding strand, the complement: MRTFA is on the minus strand). VCF-style: chr22-40419042-C-A. GRCh37 (hg19) VCF-style: chr22-40815046-C-A.
Other names: c.1396G>T, p.Gly466Cys (NM_001282660.2); c.1546G>T, p.Gly516Cys (NM_001282661.3); c.1696G>T, p.Gly566Cys (NM_001282662.3); c.1501G>T, p.Gly501Cys (NM_001318139.2); short protein forms G466C, G501C, G566C, G516C.
Identifiers: ClinVar variation 2878377 (VCV002878377.3), dbSNP rs773021353, ClinGen allele CA10249585.
Genomic context (GRCh38, chr22:40,419,042, plus strand): 5'-GCGTCAGAGGTGATGTCACCATCTCACCAAAGGTGTCCCCGGGGGTGGAGTTTTCATCGC[C>A]CGTGCTGAGCAGTGAGCGCTCCGAGGGGGTGGGAGACACGGGGGGCGTGGAGCCCGTGCT-3'
Protein context (NP_065882.2, residues 556-576): TPSERSLLST[Gly566Cys]DENSTPGDTF